The following is an entry in ClinVar:

GRCh38/hg38 5p15.33-15.32(chr5:3502990-4580491)x3

Genes: IRX1 (iroquois homeobox 1; plus strand), LINC01017 (long intergenic non-protein coding RNA 1017; minus strand), LINC01019 (long intergenic non-protein coding RNA 1019; minus strand), LINC02063 (long intergenic non-protein coding RNA 2063; plus strand), LOC110120635 (VISTA enhancer hs261; plus strand) and 4 more. Cytogenetic location: 5p15.33-15.32.
Variant type: copy number gain.
Change: copy number 3 (three copies instead of two) of chr5:3,502,990-4,580,491 (1.08 Mb, GRCh38 coordinates, 1-based), cytogenetic band 5p15.33-15.32.
Identifiers: ClinVar variation 57222 (VCV000057222.1).

ClinVar aggregate classification (germline): Pathogenic (1 of 4 stars; one submission).

Submission:

ISCA site 4
Classification: Pathogenic. Last evaluated: 2011-08-12. Review status: criteria provided, single submitter. Criteria: Kaminsky et al. (Genet Med. 2011). Collection method: clinical testing. Allele origin: unknown. Affected: yes. Observed: 1 variant allele.
Comment: Copy number variation identified through the course of routine clinical cytogenomic testing in postnatal populations. Clinical assertions have been curated as described in Kaminsky et al. 2011.